The following is an entry in ClinVar:

NM_000352.6(ABCC8):c.1183A>T (p.Ile395Phe)

Gene: ABCC8 (ATP binding cassette subfamily C member 8; minus strand). Cytogenetic location: 11p15.1.
Variant type: single nucleotide variant.
Coding change: c.1183A>T on transcript NM_000352.6 (MANE Select); coding-DNA position 1183, A replaced by T.
Protein change: p.Ile395Phe; replaces isoleucine 395 with phenylalanine.
Molecular consequence: missense variant. On other transcripts: non-coding transcript variant (1).
Genome position (GRCh38, 1-based): chr11:17,448,665, T>A on the plus strand (A>T on the coding strand, the complement: ABCC8 is on the minus strand). VCF-style: chr11-17448665-T-A. GRCh37 (hg19) VCF-style: chr11-17470212-T-A.
Other names: c.1183A>T, p.Ile395Phe (NM_001287174.3, NM_001351295.2); c.1180A>T, p.Ile394Phe (NM_001351296.2, NM_001351297.2); short protein forms I394F, I395F.
Identifiers: ClinVar variation 1338266 (VCV001338266.13), dbSNP rs542947894, ClinGen allele CA5903647.
Genomic context (GRCh38, chr11:17,448,665, plus strand): 5'-CAGCAGTCATTTCTCCCATGGACAGGTTGGAGGTGGACAGGTGCATAATTTTATTGTAAA[T>A]CTTGGTCTAGAAATGAGAGCAGAGTGTTTCACATTCATCATCATTCTCATCATCATCACC-3'
Protein context (NP_000343.2, residues 385-405): INLRGAIQTK[Ile395Phe]YNKIMHLSTS

ClinVar aggregate classification (germline): Conflicting classifications of pathogenicity. Review status: criteria provided, conflicting classifications (1 of 4 stars). 6 submissions from 6 submitters: Pathogenic (1); Likely pathogenic (3); Uncertain significance (2). Last evaluated 2025-11-14.

Conditions:
Hereditary hyperinsulinism.
Leucine-induced hypoglycemia (LIH). Also called: LEUCINE-SENSITIVE HYPOGLYCEMIA OF INFANCY. Identifiers: MedGen C0271714, MONDO:0009415, OMIM 240800.
Diabetes mellitus, permanent neonatal 3. Also called: ABCC8-Related Permanent Neonatal Diabetes Mellitus. Identifiers: MedGen C5394303, MONDO:0030088, OMIM 618857.
Hyperinsulinemic hypoglycemia, familial, 1 (HHF1). Also called: Persistent hyperinsulinemic hypoglycemia of infancy; HYPERINSULINISM, FAMILIAL, WITH PANCREATIC NESIDIOBLASTOSIS; HYPOGLYCEMIA, HYPERINSULINEMIC, OF INFANCY; NESIDIOBLASTOSIS OF PANCREAS; Persistent Hyperinsulinemia Hypoglycemia of Infancy. Identifiers: Orphanet 276575, Orphanet 276598, MedGen C2931832, MONDO:0009734, OMIM 256450.
Diabetes mellitus, transient neonatal, 2 (TNDM2). Identifiers: Orphanet 99886, MedGen C1835887, MONDO:0012480, OMIM 610374. Disease mechanism: loss of function.
Type 2 diabetes mellitus. Also called: Type II diabetes mellitus. Identifiers: MedGen C0011860, MeSH D003924, MONDO:0005148, OMIM 125853, HP:0005978.
Permanent neonatal diabetes mellitus (PNDM). Identifiers: Orphanet 99885, MedGen C1833104, MONDO:0100164, MONDO:0011643. Disease mechanism: gain of function.

Allele frequency attached by ClinVar (database versions not stated): gnomAD exomes below 0.00001 and 0.00001; TOPMed below 0.00001; gnomAD 0.00001; ExAC 0.00002; 1000 Genomes Project 30x 0.00016; 1000 Genomes Project 0.00020.
gnomAD v4.1: 4 of 1,614,152 alleles (0.00025%); highest among the groups gnomAD compares: East Asian, 0.0089%; no homozygotes.

Submissions (6):

Natera, Inc.
Classification: Likely pathogenic for Hereditary hyperinsulinism. Last evaluated: 2025-11-14. Review status: criteria provided, single submitter. Criteria: Natera Variant Classification Schema (03/2026). Collection method: clinical testing. Allele origin: germline.
Comment: The c.1183A>T variant in ABCC8 is a missense variant predicted to cause substitution of isoleucine to phenylalanine at amino acid 395. This variant is rare in the general population with a frequency below the threshold expected for the associated phenotype(s). This variant has been observed in affected individual(s) with monoallelic occurrence (heterozygous/hemizygous) (PMID: 32792356, 32027066). This variant has been confirmed as or assumed to be a de novo occurrence in one or more affected individuals (PMID: 32792356). Computational prediction algorithms indicate this variant is likely to affect gene or protein function. Given the available evidence, this variant is classified as Likely Pathogenic.

Myriad Genetics, Inc.
Classification: Uncertain significance for Hyperinsulinemic hypoglycemia, familial, 1. Last evaluated: 2025-08-18. Review status: criteria provided, single submitter. Criteria: Myriad Autosomal Dominant, Autosomal Recessive and X-Linked Classification Criteria (2023). Collection method: clinical testing. Allele origin: unknown.
Comment: NM_000352.3(ABCC8):c.1183A>T(I395F) is a missense variant classified as a variant of uncertain significance in the context of familial hyperinsulinism, ABCC8-related. I395F has been observed in cases with relevant disease (PMID: 32792356, 32027066, 33193079). Relevant functional assessments of this variant are not available in the literature. I395F has been observed in referenced population frequency databases. In summary, there is insufficient evidence to classify NM_000352.3(ABCC8):c.1183A>T(I395F) as pathogenic or benign. Please note: this variant was assessed in the context of healthy population screening.

Women's Health and Genetics/Laboratory Corporation of America, LabCorp
Classification: Likely pathogenic for Permanent neonatal diabetes mellitus. Last evaluated: 2025-06-17. Review status: criteria provided, single submitter. Criteria: LabCorp Variant Classification Summary - May 2015. Collection method: clinical testing. Allele origin: germline.
Comment: Variant summary: ABCC8 c.1183A>T (p.Ile395Phe) results in a non-conservative amino acid change located in the ABC transporter type 1, transmembrane domain (IPR011527) of the encoded protein sequence. Algorithms developed to predict the effect of missense changes on protein structure and function all suggest that this variant is likely to be disruptive. The variant allele was found at a frequency of 8e-06 in 251478 control chromosomes. c.1183A>T has been reported as a de-novo occurrence in at-least one heterozygous individual affected with neonatal diabetes mellitus (NDM) and as a VUS in another individual with NDM (examples: Lin_2020, DeFranco_2020). It has also been reported as a presumed compound heterozygote (phase not specified) in an individual with diffuse congenital hyperinsulinism who inherited this variant on the maternal allele along with a de-novo ABCC8 variant (Skimic_2020). To our knowledge, no experimental evidence demonstrating an impact on protein function has been reported. The following publications have been ascertained in the context of this evaluation (PMID: 32027066, 32418263, 32792356, 33193079). ClinVar contains an entry for this variant (Variation ID: 1338266). Based on the evidence outlined above, the variant was classified as likely pathogenic.

Fulgent Genetics
Classification: Likely pathogenic for Type 2 diabetes mellitus; Leucine-induced hypoglycemia; Hyperinsulinemic hypoglycemia, familial, 1; Diabetes mellitus, transient neonatal, 2; Diabetes mellitus, permanent neonatal 3. Last evaluated: 2024-06-20. Review status: criteria provided, single submitter. Criteria: ACMG Guidelines, 2015. Collection method: clinical testing. Allele origin: germline.

Labcorp Genetics (formerly Invitae), Labcorp
Classification: Pathogenic. Last evaluated: 2024-03-10. Review status: criteria provided, single submitter. Criteria: Invitae Variant Classification Sherloc (09022015). Collection method: clinical testing. Allele origin: germline.
Comment: This sequence change replaces isoleucine, which is neutral and non-polar, with phenylalanine, which is neutral and non-polar, at codon 395 of the ABCC8 protein (p.Ile395Phe). This variant is present in population databases (rs542947894, gnomAD 0.01%). This missense change has been observed in individual(s) with autosomal dominant diabetes mellitus (PMID: 32792356). In at least one individual the variant was observed to be de novo. ClinVar contains an entry for this variant (Variation ID: 1338266). Advanced modeling of protein sequence and biophysical properties (such as structural, functional, and spatial information, amino acid conservation, physicochemical variation, residue mobility, and thermodynamic stability) performed at Invitae indicates that this missense variant is expected to disrupt ABCC8 protein function with a positive predictive value of 95%. For these reasons, this variant has been classified as Pathogenic.

Genetic Services Laboratory, University of Chicago
Classification: Uncertain significance. Last evaluated: 2017-08-10. Review status: criteria provided, single submitter. Criteria: ACMG Guidelines, 2015. Collection method: clinical testing. Allele origin: germline. Affected: no.

Literature cited by the submitters: PubMed 32792356 (cited by 4 submitters); PubMed 32027066 (cited by 3 submitters); PubMed 33193079 (cited by Myriad Genetics, Inc. and Women's Health and Genetics/Laboratory Corporation of America, LabCorp); PubMed 32418263 (cited by Women's Health and Genetics/Laboratory Corporation of America, LabCorp).